The following is an entry in ClinVar:

NM_000218.3(KCNQ1):c.1514+863G>C

Genes: KCNQ1 (potassium voltage-gated channel subfamily Q member 1; plus strand), KCNQ1OT1 (KCNQ1 opposite strand/antisense transcript 1; minus strand). Cytogenetic location: 11p15.5.
Variant type: single nucleotide variant.
Coding change: c.1514+863G>C on transcript NM_000218.3 (MANE Select); 863 bases into the intron after coding-DNA position 1514, G replaced by C.
Molecular consequence: intron variant. On other transcripts: non-coding transcript variant (1).
Genome position (GRCh38, 1-based): chr11:2,662,944, G>C. VCF-style: chr11-2662944-G-C. GRCh37 (hg19) VCF-style: chr11-2684174-G-C.
Other names: c.1244+863G>C (NM_001406837.1); c.1418+863G>C (NM_001406836.1); c.974+863G>C (NM_001406838.1); c.1133+863G>C (NM_181798.2).
Identifiers: ClinVar variation 2641450 (VCV002641450.24), dbSNP rs188674372, ClinGen allele CA216171997.

ClinVar aggregate classification (germline): Likely benign (1 of 4 stars; one submission).

Allele frequency attached by ClinVar (database versions not stated): gnomAD exomes 0.00165; 1000 Genomes Project 30x 0.00109; 1000 Genomes Project 0.00120; gnomAD 0.00148; TOPMed 0.00160.
gnomAD v4.1: 641 of 398,666 alleles (0.16%); highest among the groups gnomAD compares: Admixed American, 0.26%; 3 homozygotes.

Submission:

CeGaT Center for Human Genetics Tuebingen
Classification: Likely benign. Last evaluated: 2026-09-01. Review status: criteria provided, single submitter. Criteria: CeGaT Center For Human Genetics Tuebingen Variant Classification Criteria Version 2. Collection method: clinical testing. Allele origin: germline. Affected: yes. Observed: 17 variant alleles.
Comment: KCNQ1OT1: BS2